The following is an entry in ClinVar:

NM_000117.3(EMD):c.709A>G (p.Ile237Val)

Gene: EMD (emerin; plus strand). Cytogenetic location: Xq28.
Variant type: single nucleotide variant.
Coding change: c.709A>G on transcript NM_000117.3 (MANE Select); coding-DNA position 709, A replaced by G.
Protein change: p.Ile237Val; replaces isoleucine 237 with valine.
Molecular consequence: missense variant.
Genome position (GRCh38, 1-based): chrX:154,381,141, A>G. VCF-style: chrX-154381141-A-G. GRCh37 (hg19) VCF-style: chrX-153609501-A-G.
Other names: short protein forms I237V.
Identifiers: ClinVar variation 1373241 (VCV001373241.6), dbSNP rs2148129009, ClinGen allele CA415259320.

ClinVar aggregate classification (germline): Uncertain significance (1 of 4 stars; one submission).

Conditions:
X-linked Emery-Dreifuss muscular dystrophy. Also called: Muscular dystrophy, tardive Emery-Dreifuss type, with contractures. Identifiers: Orphanet 261, Orphanet 98863, MedGen C0751337, MONDO:0010680.

Submission:

Labcorp Genetics (formerly Invitae), Labcorp
Classification: Uncertain significance for X-linked Emery-Dreifuss muscular dystrophy. Last evaluated: 2022-09-13. Review status: criteria provided, single submitter. Criteria: Invitae Variant Classification Sherloc (09022015). Collection method: clinical testing. Allele origin: germline.
Comment: This variant has not been reported in the literature in individuals affected with EMD-related conditions. Advanced modeling of protein sequence and biophysical properties (such as structural, functional, and spatial information, amino acid conservation, physicochemical variation, residue mobility, and thermodynamic stability) performed at Invitae indicates that this missense variant is not expected to disrupt EMD protein function. ClinVar contains an entry for this variant (Variation ID: 1373241). This variant is not present in population databases (gnomAD no frequency). This sequence change replaces isoleucine, which is neutral and non-polar, with valine, which is neutral and non-polar, at codon 237 of the EMD protein (p.Ile237Val). In summary, the available evidence is currently insufficient to determine the role of this variant in disease. Therefore, it has been classified as a Variant of Uncertain Significance.